The following is an entry in ClinVar:

ClinVar aggregate classification (germline): Uncertain significance. Review status: criteria provided, multiple submitters, no conflicts (2 of 4 stars). 6 submissions from 6 submitters: Uncertain significance (5). 1 of the submissions does not count toward it. Last evaluated 2025-01-23.

Conditions:
Congenital myasthenic syndrome 4A. Also called: Myasthenic syndrome, congenital, 4a, slow-channel; MYASTHENIC SYNDROME, CONGENITAL, 4A, SLOW-CHANNEL, AUTOSOMAL RECESSIVE; CONGENITAL MYASTHENIC SYNDROME TYPE Ia1. Identifiers: Orphanet 590, MedGen C4225413, MONDO:0011600, OMIM 605809.
Congenital myasthenic syndrome 4C (CMS4C). Also called: Myasthenic syndrome, congenital, associated with acetylcholine receptor deficiency. Identifiers: Orphanet 590, MedGen C1837091, MONDO:0012157, OMIM 608931.
Congenital myasthenic syndrome 4B. Also called: Myasthenic syndrome, congenital, 4b, fast-channel. Identifiers: Orphanet 590, MedGen C4225369, MONDO:0014586, OMIM 616324.
Inborn genetic diseases. Identifiers: MedGen C0950123, MeSH D030342.
Congenital myasthenic syndrome (CMS). Also called: Congenital Myasthenic Syndromes. Identifiers: Orphanet 590, MedGen C0751882, MeSH D020294, MONDO:0018940.

Allele frequency attached by ClinVar (database versions not stated): ExAC 0.00010; gnomAD exomes 0.00010 and 0.00028; gnomAD 0.00013 and 0.00014; TOPMed 0.00018; ESP Exome Variant Server 0.00023.

Submissions (6):

Labcorp Genetics (formerly Invitae), Labcorp
Classification: Uncertain significance for Congenital myasthenic syndrome 4A. Last evaluated: 2025-01-23. Review status: criteria provided, single submitter. Criteria: Invitae Variant Classification Sherloc (09022015). Collection method: clinical testing. Allele origin: germline.
Comment: This sequence change replaces leucine, which is neutral and non-polar, with proline, which is neutral and non-polar, at codon 299 of the CHRNE protein (p.Leu299Pro). This variant is present in population databases (rs142735836, gnomAD 0.03%). This variant has not been reported in the literature in individuals affected with CHRNE-related conditions. ClinVar contains an entry for this variant (Variation ID: 583083). Invitae Evidence Modeling of protein sequence and biophysical properties (such as structural, functional, and spatial information, amino acid conservation, physicochemical variation, residue mobility, and thermodynamic stability) has been performed for this missense variant. However, the output from this modeling did not meet the statistical confidence thresholds required to predict the impact of this variant on CHRNE protein function. In summary, the available evidence is currently insufficient to determine the role of this variant in disease. Therefore, it has been classified as a Variant of Uncertain Significance.

Revvity Omics, Revvity
Classification: Uncertain significance. Last evaluated: 2024-08-02. Review status: criteria provided, single submitter. Criteria: ACMG Guidelines, 2015. Collection method: clinical testing. Allele origin: germline.

Ambry Genetics
Classification: Uncertain significance for Inborn genetic diseases. Last evaluated: 2023-03-06. Review status: criteria provided, single submitter. Criteria: Ambry Variant Classification Scheme 2023. Collection method: clinical testing. Allele origin: germline.
Comment: Unlikely to be causative of CHRNE-related congenital myasthenic syndrome type 4A (AD) Based on insufficient or conflicting evidence, the clinical significance of this alteration remains unclear.

Fulgent Genetics
Classification: Uncertain significance for Congenital myasthenic syndrome 4A; Congenital myasthenic syndrome 4C; Congenital myasthenic syndrome 4B. Last evaluated: 2022-03-04. Review status: criteria provided, single submitter. Criteria: ACMG Guidelines, 2015. Collection method: clinical testing. Allele origin: unknown.

Illumina Laboratory Services, Illumina
Classification: Uncertain significance for Congenital myasthenic syndrome. Last evaluated: 2018-01-12. Review status: criteria provided, single submitter. Criteria: ICSL Variant Classification Criteria 13 December 2019. Collection method: clinical testing. Allele origin: germline.

Natera, Inc.
Classification: Uncertain significance for Congenital myasthenic syndrome. Last evaluated: 2019-10-28. Review status: no assertion criteria provided. Collection method: clinical testing. Allele origin: germline. Not counted in ClinVar's aggregate classification.

NM_000080.4(CHRNE):c.896T>C (p.Leu299Pro)

Genes: C17orf107 (chromosome 17 open reading frame 107; plus strand), CHRNE (cholinergic receptor nicotinic epsilon subunit; minus strand). Cytogenetic location: 17p13.2.
Variant type: single nucleotide variant.
Coding change: c.896T>C on transcript NM_000080.4 (MANE Select); coding-DNA position 896, T replaced by C.
Protein change: p.Leu299Pro; replaces leucine 299 with proline.
Molecular consequence: missense variant. On other transcripts: 3 prime UTR variant (1).
Genome position (GRCh38, 1-based): chr17:4,900,814, A>G on the plus strand (T>C on the coding strand, the complement: CHRNE is on the minus strand). VCF-style: chr17-4900814-A-G. GRCh37 (hg19) VCF-style: chr17-4804109-A-G.
Other names: c.*281A>G (NM_001145536.2); short protein forms L299P.
Identifiers: ClinVar variation 583083 (VCV000583083.18), dbSNP rs142735836, ClinGen allele CA8314217.